The following is an entry in ClinVar:

NM_016263.4(FZR1):c.1126G>A (p.Gly376Ser)

Gene: FZR1 (fizzy and cell division cycle 20 related 1; plus strand). Cytogenetic location: 19p13.3.
Variant type: single nucleotide variant.
Coding change: c.1126G>A on transcript NM_016263.4 (MANE Select); coding-DNA position 1126, G replaced by A.
Protein change: p.Gly376Ser; replaces glycine 376 with serine.
Molecular consequence: missense variant.
Genome position (GRCh38, 1-based): chr19:3,532,534, G>A. VCF-style: chr19-3532534-G-A. GRCh37 (hg19) VCF-style: chr19-3532532-G-A.
Other names: c.859G>A, p.Gly287Ser (NM_001136197.1); c.1126G>A, p.Gly376Ser (NM_001136198.1); short protein forms G287S, G376S.
Identifiers: ClinVar variation 1330275 (VCV001330275.4), dbSNP rs2083259164, ClinGen allele CA403324303.

ClinVar aggregate classification (germline): Conflicting classifications of pathogenicity. Review status: criteria provided, conflicting classifications (1 of 4 stars). 4 submissions from 4 submitters: Likely pathogenic (1); Uncertain significance (2). 1 of the submissions does not count toward it. Last evaluated 2025-02-17.

Conditions:
Developmental and epileptic encephalopathy 109 (DEE109). Identifiers: MedGen C5774263, MONDO:0859325, OMIM 620145.
Seizure. Also called: Seizures. Identifiers: MedGen C0036572, HP:0001250.
Global developmental delay (DD). Also called: Cognitive delay. Identifiers: MedGen C0557874, HP:0001263. Disease mechanism: loss of function.
Cerebellar ataxia. Identifiers: Orphanet 102002, MedGen C0007758, MONDO:0000437.
Hypotonia. Also called: poor muscle tone; Muscular hypotonia. Identifiers: MedGen C0026827, HP:0001252.
Autism (AUTS). Also called: Autistic disorder; Autistic disorder of childhood onset. Identifiers: MedGen C0004352, MeSH D001321, MONDO:0005260, OMIM 209850, HP:0000717.

Submissions (4):

Laboratorio de Genetica e Diagnostico Molecular, Hospital Israelita Albert Einstein
Classification: Uncertain significance for Developmental and epileptic encephalopathy 109. Last evaluated: 2025-02-17. Review status: criteria provided, single submitter. Criteria: ACMG Guidelines, 2015. Collection method: clinical testing. Allele origin: germline. Affected: yes.
Comment: ACMG classification criteria: PM2 supporting

Baylor Genetics
Classification: Likely pathogenic for Developmental and epileptic encephalopathy 109. Last evaluated: 2023-06-20. Review status: criteria provided, single submitter. Criteria: ACMG Guidelines, 2015. Collection method: clinical testing. Allele origin: unknown.

MVZ Martinsried, Medicover Genetics
Classification: Uncertain significance for Ataxia; Autism; Global developmental delay; Hypotonia; Seizure. Last evaluated: 2021-11-30. Review status: criteria provided, single submitter. Criteria: ACGS Guidelines, 2020. Collection method: clinical testing. Allele origin: de novo. Affected: yes.

Cytogénomique, Hospices Civils de Lyon
Classification: Likely pathogenic for Global developmental delay. Review status: no assertion criteria provided. Collection method: clinical testing. Allele origin: de novo. Inheritance: Autosomal dominant inheritance. Affected: yes. Not counted in ClinVar's aggregate classification.